The following is an entry in ClinVar:

NM_194293.4(XIRP1):c.2465T>G (p.Leu822Arg)

Gene: XIRP1 (xin actin binding repeat containing 1; minus strand). Cytogenetic location: 3p22.2.
Variant type: single nucleotide variant.
Coding change: c.2465T>G on transcript NM_194293.4 (MANE Select); coding-DNA position 2465, T replaced by G.
Protein change: p.Leu822Arg; replaces leucine 822 with arginine.
Molecular consequence: missense variant. On other transcripts: intron variant (1).
Genome position (GRCh38, 1-based): chr3:39,186,981, A>C on the plus strand (T>G on the coding strand, the complement: XIRP1 is on the minus strand). VCF-style: chr3-39186981-A-C. GRCh37 (hg19) VCF-style: chr3-39228472-A-C.
Other names: c.2465T>G, p.Leu822Arg (NM_001198621.4); c.-167-1320T>G (NM_001351377.2); short protein forms L822R.
Identifiers: ClinVar variation 3032438 (VCV003032438.3), dbSNP rs777538496, ClinGen allele CA2326258.

ClinVar aggregate classification (germline): Uncertain significance. Review status: criteria provided, single submitter (1 of 4 stars). 2 submissions from 2 submitters: Uncertain significance (1). 1 of the submissions does not count toward it. Last evaluated 2024-05-15.

Conditions:
XIRP1-related disorder. Also called: XIRP1-related condition.

Allele frequency attached by ClinVar (database versions not stated): ExAC 0.00001; gnomAD exomes 0.00003; gnomAD 0.00005.
gnomAD v4.1: 47 of 1,605,314 alleles (0.0029%); highest among the groups gnomAD compares: Non-Finnish European, 0.004%; no homozygotes.

Submissions (2):

Ambry Genetics
Classification: Uncertain significance. Last evaluated: 2024-05-15. Review status: criteria provided, single submitter. Criteria: Ambry Variant Classification Scheme 2023. Collection method: clinical testing. Allele origin: germline.

PreventionGenetics, part of Exact Sciences
Classification: Uncertain significance for XIRP1-related condition. Last evaluated: 2024-01-12. Review status: no assertion criteria provided. Collection method: clinical testing. Allele origin: germline. Not counted in ClinVar's aggregate classification.
Comment: The XIRP1 c.2465T>G variant is predicted to result in the amino acid substitution p.Leu822Arg. To our knowledge, this variant has not been reported in the literature. This variant is reported in 0.0026% of alleles in individuals of European (Non-Finnish) descent in gnomAD. At this time, the clinical significance of this variant is uncertain due to the absence of conclusive functional and genetic evidence.